The following is an entry in ClinVar:

ClinVar aggregate classification (germline): Likely pathogenic (1 of 4 stars; one submission).

Conditions:
Hypohidrotic X-linked ectodermal dysplasia (XHED). Also called: ECTODERMAL DYSPLASIA 1; Christ-Siemans-Touraine syndrome; ECTODERMAL DYSPLASIA 1, HYPOHIDROTIC/HAIR/TOOTH TYPE, X-LINKED; Ectodermal Dysplasia 1, Anhidrotic; ECTODERMAL DYSPLASIA, HYPOHIDROTIC, 1; CST SYNDROME. Identifiers: Orphanet 181, Orphanet 238468, MedGen C0162359, MONDO:0010585, OMIM 305100.

Allele frequency attached by ClinVar (database versions not stated): gnomAD exomes below 0.00001.
gnomAD v4.1: 2 of 1,194,748 alleles (0.00017%); highest among the groups gnomAD compares: East Asian, 0.0061%; no homozygotes.

Submission:

Labcorp Genetics (formerly Invitae), Labcorp
Classification: Likely pathogenic for Hypohidrotic X-linked ectodermal dysplasia. Last evaluated: 2023-09-26. Review status: criteria provided, single submitter. Criteria: Invitae Variant Classification Sherloc (09022015). Collection method: clinical testing. Allele origin: germline.
Comment: This sequence change replaces proline, which is neutral and non-polar, with alanine, which is neutral and non-polar, at codon 220 of the EDA protein (p.Pro220Ala). This variant is present in population databases (no rsID available, gnomAD 0.02%), including at least one homozygous and/or hemizygous individual. This variant has not been reported in the literature in individuals affected with EDA-related conditions. ClinVar contains an entry for this variant (Variation ID: 2055399). Advanced modeling of protein sequence and biophysical properties (such as structural, functional, and spatial information, amino acid conservation, physicochemical variation, residue mobility, and thermodynamic stability) performed at Invitae indicates that this missense variant is expected to disrupt EDA protein function. This variant disrupts the p.Pro220 amino acid residue in EDA. Other variant(s) that disrupt this residue have been determined to be pathogenic (PMID: 25846883). This suggests that this residue is clinically significant, and that variants that disrupt this residue are likely to be disease-causing. In summary, the currently available evidence indicates that the variant is pathogenic, but additional data are needed to prove that conclusively. Therefore, this variant has been classified as Likely Pathogenic.

Literature cited by the submitters: PubMed 25846883.

NM_001399.5(EDA):c.658C>G (p.Pro220Ala)

Gene: EDA (ectodysplasin A; plus strand). Cytogenetic location: Xq13.1.
Variant type: single nucleotide variant.
Coding change: c.658C>G on transcript NM_001399.5 (MANE Select); coding-DNA position 658, C replaced by G.
Protein change: p.Pro220Ala; replaces proline 220 with alanine.
Molecular consequence: missense variant.
Genome position (GRCh38, 1-based): chrX:70,027,988, C>G. VCF-style: chrX-70027988-C-G. GRCh37 (hg19) VCF-style: chrX-69247838-C-G.
Other names: c.658C>G, p.Pro220Ala (NM_001005609.2, NM_001005612.3); short protein forms P220A.
Identifiers: ClinVar variation 2055399 (VCV002055399.2), dbSNP rs1208076212, ClinGen allele CA413448440.